The following is an entry in ClinVar:

ClinVar aggregate classification (germline): Likely benign. Review status: criteria provided, multiple submitters, no conflicts (2 of 4 stars). 3 submissions from 3 submitters: Likely benign (3). Last evaluated 2026-03-03.

Conditions:
MKKS-related disorder. Also called: MKKS-related condition; MKKS-related disorders.
Bardet-Biedl syndrome (BBS). Identifiers: Orphanet 110, MedGen C0752166, MONDO:0015229.
McKusick-Kaufman syndrome (MKKS). Also called: HYDROMETROCOLPOS SYNDROME; HYDROMETROCOLPOS, POSTAXIAL POLYDACTYLY, AND CONGENITAL HEART MALFORMATION. Identifiers: Orphanet 2473, MedGen C0948368, MONDO:0009367, OMIM 236700.

Allele frequency attached by ClinVar (database versions not stated): gnomAD 0.00001; ExAC 0.00002.
gnomAD v4.1: 29 of 1,614,088 alleles (0.0018%); highest among the groups gnomAD compares: Non-Finnish European, 0.0024%; no homozygotes.

Submissions (3):

PreventionGenetics, part of Exact Sciences
Classification: Likely benign for MKKS-related condition. Last evaluated: 2026-03-03. Review status: criteria provided, single submitter. Criteria: ACMG Guidelines, 2015. Collection method: clinical testing. Allele origin: germline.
Comment: This variant is classified as likely benign based on ACMG/AMP sequence variant interpretation guidelines (Richards et al. 2015 PMID: 25741868, with internal and published modifications).

Labcorp Genetics (formerly Invitae), Labcorp
Classification: Likely benign for McKusick-Kaufman syndrome; Bardet-Biedl syndrome. Last evaluated: 2023-08-23. Review status: criteria provided, single submitter. Criteria: Invitae Variant Classification Sherloc (09022015). Collection method: clinical testing. Allele origin: germline.

Blueprint Genetics
Classification: Likely benign. Last evaluated: 2019-02-04. Review status: criteria provided, single submitter. Criteria: ACMG Guidelines, 2015. Collection method: clinical testing. Allele origin: germline.

NM_170784.3(MKKS):c.1332A>G (p.Gln444=)

Gene: MKKS (MKKS centrosomal shuttling protein; minus strand). Cytogenetic location: 20p12.2.
Variant type: single nucleotide variant.
Coding change: c.1332A>G on transcript NM_170784.3 (MANE Select); coding-DNA position 1332, A replaced by G.
Protein change: p.Gln444=; no amino-acid change (glutamine 444 retained).
Molecular consequence: synonymous variant. On other transcripts: non-coding transcript variant (1).
Genome position (GRCh38, 1-based): chr20:10,405,628, T>C on the plus strand (A>G on the coding strand, the complement: MKKS is on the minus strand). VCF-style: chr20-10405628-T-C. GRCh37 (hg19) VCF-style: chr20-10386276-T-C.
Other names: c.1332A>G, p.Gln444= (NM_018848.3).
Identifiers: ClinVar variation 2145693 (VCV002145693.6), dbSNP rs759624565, ClinGen allele CA9763491.